The following is an entry in ClinVar:

ClinVar aggregate classification (germline): Pathogenic (1 of 4 stars; one submission).

Conditions:
Combined immunodeficiency due to MALT1 deficiency. Also called: Immunodeficiency 12. Identifiers: Orphanet 397964, MedGen C3809583, MONDO:0014197, OMIM 615468.

Submission:

Labcorp Genetics (formerly Invitae), Labcorp
Classification: Pathogenic for Combined immunodeficiency due to MALT1 deficiency. Last evaluated: 2023-01-01. Review status: criteria provided, single submitter. Criteria: Invitae Variant Classification Sherloc (09022015). Collection method: clinical testing. Allele origin: germline.
Comment: For these reasons, this variant has been classified as Pathogenic. ClinVar contains an entry for this variant (Variation ID: 1068658). This variant has not been reported in the literature in individuals affected with MALT1-related conditions. This variant is not present in population databases (gnomAD no frequency). This sequence change creates a premature translational stop signal (p.Glu453Lysfs*28) in the MALT1 gene. It is expected to result in an absent or disrupted protein product. Loss-of-function variants in MALT1 are known to be pathogenic (PMID: 23727036, 25627829).

Literature cited by the submitters: PubMed 23727036; PubMed 25627829.

NM_006785.4(MALT1):c.1356del (p.Glu453fs)

Gene: MALT1 (MALT1 paracaspase; plus strand). Cytogenetic location: 18q21.32.
Variant type: Deletion.
Coding change: c.1356del on transcript NM_006785.4 (MANE Select); coding-DNA position 1356, one base deleted (A; older notation c.1356delA).
Protein change: p.Glu453fs; shifts the reading frame from glutamic acid 453.
Molecular consequence: frameshift variant.
Genome position (GRCh38, 1-based): chr18:58,733,530, A deleted; the last of 5 consecutive A bases (chr18:58,733,526-58,733,530); deleting any one gives the same sequence. VCF-style (leftmost placement, unchanged base first): chr18-58733525-GA-G. GRCh37 (hg19) VCF-style: chr18-56400757-GA-G.
Other names: c.1323del, p.Glu442fs (NM_173844.3); short protein forms E442fs, E453fs.
Identifiers: ClinVar variation 1068658 (VCV001068658.7), dbSNP rs2144461109, ClinGen allele CA2499225231.